The following is an entry in ClinVar:

NM_006612.6(KIF1C):c.588G>T (p.Met196Ile)

Gene: KIF1C (kinesin family member 1C; plus strand). Cytogenetic location: 17p13.2.
Variant type: single nucleotide variant.
Coding change: c.588G>T on transcript NM_006612.6 (MANE Select); coding-DNA position 588, G replaced by T.
Protein change: p.Met196Ile; replaces methionine 196 with isoleucine.
Molecular consequence: missense variant.
Genome position (GRCh38, 1-based): chr17:5,002,622, G>T. VCF-style: chr17-5002622-G-T. GRCh37 (hg19) VCF-style: chr17-4905917-G-T.
Other names: short protein forms M196I.
Identifiers: ClinVar variation 1917676 (VCV001917676.5), dbSNP rs1974624406, ClinGen allele CA397346141.
Genomic context (GRCh38, chr17:5,002,622, plus strand): 5'-GTACGTGCAGGACCTGTCCAAATTGGCTGTGACCTCCTACGCAGACATTGCTGACCTCAT[G>T]GACTGTGGAAATAAAGCACGGTGAGGCAGGCTGATGGAGCAGAGGGCAAGGGGGCCAGGG-3'
Protein context (NP_006603.2, residues 186-206): VTSYADIADL[Met196Ile]DCGNKARTVA

ClinVar aggregate classification (germline): Uncertain significance (1 of 4 stars; one submission).

Conditions:
Spastic ataxia 2. Also called: Ataxia, spastic, 2, autosomal recessive. Identifiers: Orphanet 397946, MedGen C1969796, MONDO:0012651, OMIM 611302.

Allele frequency attached by ClinVar (database versions not stated): TOPMed below 0.00001.

Submission:

Labcorp Genetics (formerly Invitae), Labcorp
Classification: Uncertain significance for Spastic ataxia 2. Last evaluated: 2023-04-24. Review status: criteria provided, single submitter. Criteria: Invitae Variant Classification Sherloc (09022015). Collection method: clinical testing. Allele origin: germline.
Comment: In summary, the available evidence is currently insufficient to determine the role of this variant in disease. Therefore, it has been classified as a Variant of Uncertain Significance. Advanced modeling of protein sequence and biophysical properties (such as structural, functional, and spatial information, amino acid conservation, physicochemical variation, residue mobility, and thermodynamic stability) performed at Invitae indicates that this missense variant is not expected to disrupt KIF1C protein function. ClinVar contains an entry for this variant (Variation ID: 1917676). This variant has not been reported in the literature in individuals affected with KIF1C-related conditions. This variant is not present in population databases (gnomAD no frequency). This sequence change replaces methionine, which is neutral and non-polar, with isoleucine, which is neutral and non-polar, at codon 196 of the KIF1C protein (p.Met196Ile).